The following is an entry in ClinVar:

NM_018906.3(PCDHA3):c.2276G>A (p.Cys759Tyr)

Genes: PCDHA1 (protocadherin alpha 1; plus strand), PCDHA2 (protocadherin alpha 2; plus strand), PCDHA3 (protocadherin alpha 3; plus strand), PCDHA@ (protocadherin alpha cluster, complex locus; plus strand). Cytogenetic location: 5q31.3.
Variant type: single nucleotide variant.
Coding change: c.2276G>A on transcript NM_018906.3 (MANE Select); coding-DNA position 2276, G replaced by A.
Protein change: p.Cys759Tyr; replaces cysteine 759 with tyrosine.
Molecular consequence: missense variant. On other transcripts: intron variant (4).
Genome position (GRCh38, 1-based): chr5:140,803,473, G>A. VCF-style: chr5-140803473-G-A. GRCh37 (hg19) VCF-style: chr5-140183058-G-A.
Other names: c.2276G>A, p.Cys759Tyr (NM_031497.2); c.2394+14789G>A (NM_018900.4); c.1602+15581G>A (NM_031411.3); c.2388+6121G>A (NM_018905.3); c.2389-1587G>A (NM_031496.2); short protein forms C759Y.
Identifiers: ClinVar variation 3059375 (VCV003059375.2), dbSNP rs2240694, ClinGen allele CA3446739.

ClinVar aggregate classification (germline): Benign (0 of 4 stars; one submission).

Conditions:
PCDHA3-related disorder. Also called: PCDHA3-related condition.

Allele frequency attached by ClinVar (database versions not stated): ESP Exome Variant Server 0.51707; 1000 Genomes Project 30x 0.52311; 1000 Genomes Project 0.52536; gnomAD 0.51304; ExAC 0.52485; gnomAD exomes 0.52814; TOPMed 0.52356.
gnomAD v4.1: 850,357 of 1,613,902 alleles (53%); highest among the groups gnomAD compares: Middle Eastern, 58%; 224,676 homozygotes.

Submission:

PreventionGenetics, part of Exact Sciences
Classification: Benign for PCDHA3-related condition. Last evaluated: 2022-09-23. Review status: no assertion criteria provided. Collection method: clinical testing. Allele origin: germline.
Comment: This variant is classified as benign based on ACMG/AMP sequence variant interpretation guidelines (Richards et al. 2015 PMID: 25741868, with internal and published modifications).